The following is an entry in ClinVar:

ClinVar aggregate classification (germline): Likely benign (0 of 4 stars; one submission).

Conditions:
NCOA1-related disorder. Also called: NCOA1-related condition.

Allele frequency attached by ClinVar (database versions not stated): ExAC 0.00002; TOPMed 0.00004; gnomAD 0.00007.
gnomAD v4.1: 72 of 1,613,918 alleles (0.0045%); highest among the groups gnomAD compares: Non-Finnish European, 0.0019%; no homozygotes.

Submission:

PreventionGenetics, part of Exact Sciences
Classification: Likely benign for NCOA1-related condition. Last evaluated: 2023-12-20. Review status: no assertion criteria provided. Collection method: clinical testing. Allele origin: germline.
Comment: This variant is classified as likely benign based on ACMG/AMP sequence variant interpretation guidelines (Richards et al. 2015 PMID: 25741868, with internal and published modifications).

NM_003743.5(NCOA1):c.1167G>A (p.Ser389=)

Gene: NCOA1 (nuclear receptor coactivator 1; plus strand). Cytogenetic location: 2p23.3.
Variant type: single nucleotide variant.
Coding change: c.1167G>A on transcript NM_003743.5 (MANE Select); coding-DNA position 1167, G replaced by A.
Protein change: p.Ser389=; no amino-acid change (serine 389 retained).
Molecular consequence: synonymous variant.
Genome position (GRCh38, 1-based): chr2:24,706,637, G>A. VCF-style: chr2-24706637-G-A. GRCh37 (hg19) VCF-style: chr2-24929506-G-A.
Other names: c.1167G>A, p.Ser389= (NM_001362950.1, NM_001362952.1, NM_001362954.1 and 3 more transcripts).
Identifiers: ClinVar variation 3048501 (VCV003048501.2), dbSNP rs750024811, ClinGen allele CA1552202.